The following is an entry in ClinVar:

ClinVar aggregate classification (germline): Uncertain significance (1 of 4 stars; one submission).

Conditions:
Bloom syndrome (BLM). Also called: Bloom-Torre-Machacek syndrome. Identifiers: Orphanet 125, MedGen C0005859, MONDO:0008876, OMIM 210900.

Submission:

Labcorp Genetics (formerly Invitae), Labcorp
Classification: Uncertain significance for Bloom syndrome. Last evaluated: 2024-01-23. Review status: criteria provided, single submitter. Criteria: Invitae Variant Classification Sherloc (09022015). Collection method: clinical testing. Allele origin: germline.
Comment: A copy number gain of the genomic region encompassing the full coding sequence of the BLM gene has been identified. The boundaries of this event are unknown as they extend beyond the assayed region for this gene and therefore may encompass additional genes. As the precise location of this event is unknown, it may be in tandem or it may be located elsewhere in the genome. This variant has not been reported in the literature in individuals affected with BLM-related conditions. In summary, the available evidence is currently insufficient to determine the role of this variant in disease. Therefore, it has been classified as a Variant of Uncertain Significance.

NC_000015.9:g.(?_91290623)_(91358509_?)dup

Gene: BLM (BLM RecQ like helicase; plus strand). Cytogenetic location: 15q26.1.
Variant type: Duplication.
Identifiers: ClinVar variation 1027034 (VCV001027034.7).